The following is an entry in ClinVar:

NM_006158.5(NEFL):c.1176_1178del (p.Leu393del)

Gene: NEFL (neurofilament light chain; minus strand). Cytogenetic location: 8p21.2.
Variant type: Deletion.
Coding change: c.1176_1178del on transcript NM_006158.5 (MANE Select); coding-DNA positions 1176 to 1178, 3 bases deleted (CTT; older notation c.1176_1178delCTT).
Protein change: p.Leu393del; deletes leucine 393.
Molecular consequence: inframe deletion.
Genome position (GRCh38, 1-based): chr8:24,953,787-24,953,789, AAG deleted on the plus strand (CTT on the coding strand, the reverse complement: NEFL is on the minus strand); deleting any 3 consecutive bases within chr8:24,953,787-24,953,790 gives the same sequence; the c. name uses the placement nearest the transcript's 3' end. VCF-style (leftmost placement, unchanged base first): chr8-24953786-CAAG-C. GRCh37 (hg19) VCF-style: chr8-24811300-CAAG-C.
Other names: short protein forms L393del.
Identifiers: ClinVar variation 3775361 (VCV003775361.1).

ClinVar aggregate classification (germline): Uncertain significance (1 of 4 stars; one submission).

Conditions:
Charcot-Marie-Tooth disease type 2E (CMT2E). Also called: CHARCOT-MARIE-TOOTH DISEASE, AXONAL, TYPE 2E; CHARCOT-MARIE-TOOTH NEUROPATHY, TYPE 2E. Identifiers: Orphanet 99939, MedGen C1843225, MONDO:0011894, OMIM 607684.

Submission:

3billion
Classification: Uncertain significance for Charcot-Marie-Tooth disease type 2E. Last evaluated: 2023-08-26. Review status: criteria provided, single submitter. Criteria: ACMG Guidelines, 2015. Collection method: clinical testing. Allele origin: germline. Affected: yes.
Comment: The variant is not observed in the gnomAD v2.1.1 dataset. Predicted Consequence/Location: Inframe deletion located in a nonrepeat region: predicted to change the length of the protein and disrupt normal protein function. Therefore, this variant is classified as VUS according to the recommendation of ACMG/AMP guideline.